The following is an entry in ClinVar:

ClinVar aggregate classification (germline): Uncertain significance. Review status: criteria provided, multiple submitters, no conflicts (2 of 4 stars). 3 submissions from 3 submitters: Uncertain significance (3). Last evaluated 2025-11-19.

Conditions:
Brugada syndrome 4 (BRGDA4). Identifiers: Orphanet 130, MedGen C2678477, MONDO:0012743, OMIM 611876.
CACNB2-related disorder. Also called: CACNB2-related condition.
Cardiovascular phenotype. Identifiers: MedGen CN230736.

Allele frequency attached by ClinVar (database versions not stated): TOPMed 0.00001; gnomAD exomes 0.00001; ExAC 0.00001; gnomAD 0.00001.

Submissions (3):

Ambry Genetics
Classification: Uncertain significance for Cardiovascular phenotype. Last evaluated: 2025-11-19. Review status: criteria provided, single submitter. Criteria: Ambry Variant Classification Scheme 2023. Collection method: clinical testing. Allele origin: germline.

PreventionGenetics, part of Exact Sciences
Classification: Uncertain significance for CACNB2-related condition. Last evaluated: 2023-02-14. Review status: criteria provided, single submitter. Criteria: ACMG Guidelines, 2015. Collection method: clinical testing. Allele origin: germline.
Comment: The CACNB2 c.349G>A variant is predicted to result in the amino acid substitution p.Gly117Arg. To our knowledge, this variant has not been reported in the literature. This variant is reported in 0.0029% of alleles in individuals of Latino descent in gnomAD. At this time, the clinical significance of this variant is uncertain due to the absence of conclusive functional and genetic evidence.

Labcorp Genetics (formerly Invitae), Labcorp
Classification: Uncertain significance for Brugada syndrome 4. Last evaluated: 2022-02-27. Review status: criteria provided, single submitter. Criteria: Invitae Variant Classification Sherloc (09022015). Collection method: clinical testing. Allele origin: germline.
Comment: This sequence change replaces glycine, which is neutral and non-polar, with arginine, which is basic and polar, at codon 117 of the CACNB2 protein (p.Gly117Arg). This variant is present in population databases (rs766267727, gnomAD 0.003%). This variant has not been reported in the literature in individuals affected with CACNB2-related conditions. Algorithms developed to predict the effect of missense changes on protein structure and function are either unavailable or do not agree on the potential impact of this missense change (SIFT: "Deleterious"; PolyPhen-2: "Probably Damaging"; Align-GVGD: "Class C15"). In summary, the available evidence is currently insufficient to determine the role of this variant in disease. Therefore, it has been classified as a Variant of Uncertain Significance.

NM_201596.3(CACNB2):c.511G>A (p.Gly171Arg)

Gene: CACNB2 (calcium voltage-gated channel auxiliary subunit beta 2; plus strand). Cytogenetic location: 10p12.31.
Variant type: single nucleotide variant.
Coding change: c.511G>A on transcript NM_201596.3 (MANE Select); coding-DNA position 511, G replaced by A.
Protein change: p.Gly171Arg; replaces glycine 171 with arginine.
Molecular consequence: missense variant.
Genome position (GRCh38, 1-based): chr10:18,500,866, G>A. VCF-style: chr10-18500866-G-A. GRCh37 (hg19) VCF-style: chr10-18789795-G-A.
Other names: c.349G>A (NM_201590.2); c.367G>A, p.Gly123Arg (NM_201570.3); c.427G>A, p.Gly143Arg (NM_201571.4, NM_201572.4, NM_001167945.2); c.349G>A, p.Gly117Arg (NM_201590.3); c.511G>A, p.Gly171Arg (NM_201593.3, NM_201597.3); c.346G>A, p.Gly116Arg (NM_000724.4, NM_001330060.2); short protein forms G143R, G171R, G117R, G123R, G116R.
Identifiers: ClinVar variation 1523078 (VCV001523078.7), dbSNP rs766267727, ClinGen allele CA5429644.